The following is an entry in ClinVar:

ClinVar aggregate classification (germline): Benign/Likely benign. Review status: criteria provided, multiple submitters, no conflicts (2 of 4 stars). 4 submissions from 4 submitters: Benign (2); Likely benign (2). Last evaluated 2025-11-06.

Allele frequency attached by ClinVar (database versions not stated): 1000 Genomes Project 30x 0.00016; 1000 Genomes Project 0.00020; ESP Exome Variant Server 0.00031; TOPMed 0.00059; gnomAD 0.00063 and 0.00065; gnomAD exomes 0.00069 and 0.00081; ExAC 0.00086.
gnomAD v4.1: 1,122 of 1,614,086 alleles (0.07%); highest among the groups gnomAD compares: Middle Eastern, 0.18%; 1 homozygote.

Submissions (4):

Labcorp Genetics (formerly Invitae), Labcorp
Classification: Benign. Last evaluated: 2025-11-06. Review status: criteria provided, single submitter. Criteria: Invitae Variant Classification Sherloc (09022015). Collection method: clinical testing. Allele origin: germline.

Blueprint Genetics
Classification: Likely benign. Last evaluated: 2024-11-22. Review status: criteria provided, single submitter. Criteria: ACMG Guidelines, 2015. Collection method: clinical testing. Allele origin: germline.

CeGaT Center for Human Genetics Tuebingen
Classification: Likely benign. Last evaluated: 2024-05-01. Review status: criteria provided, single submitter. Criteria: CeGaT Center For Human Genetics Tuebingen Variant Classification Criteria Version 2. Collection method: clinical testing. Allele origin: germline. Affected: yes. Observed: 1 variant allele.
Comment: MYO1E: BP4, BP7

Breakthrough Genomics
Classification: Benign. Review status: criteria provided, single submitter. Criteria: ACMG Guidelines, 2015. Collection method: not provided. Allele origin: germline. Inheritance: Autosomal recessive inheritance. Affected: yes.

NM_004998.4(MYO1E):c.1743C>T (p.Pro581=)

Gene: MYO1E (myosin IE; minus strand). Cytogenetic location: 15q22.2.
Variant type: single nucleotide variant.
Coding change: c.1743C>T on transcript NM_004998.4 (MANE Select); coding-DNA position 1743, C replaced by T.
Protein change: p.Pro581=; no amino-acid change (proline 581 retained).
Molecular consequence: synonymous variant.
Genome position (GRCh38, 1-based): chr15:59,195,523, G>A on the plus strand (C>T on the coding strand, the complement: MYO1E is on the minus strand). VCF-style: chr15-59195523-G-A. GRCh37 (hg19) VCF-style: chr15-59487722-G-A.
Identifiers: ClinVar variation 1167336 (VCV001167336.30), dbSNP rs147331478, ClinGen allele CA7589510.